The following is an entry in ClinVar:

NM_001161403.3(LIMS2):c.91A>G (p.Ser31Gly)

Gene: LIMS2 (LIM zinc finger domain containing 2; minus strand). Cytogenetic location: 2q14.3.
Variant type: single nucleotide variant.
Coding change: c.91A>G on transcript NM_001161403.3 (MANE Select); coding-DNA position 91, A replaced by G.
Protein change: p.Ser31Gly; replaces serine 31 with glycine.
Molecular consequence: missense variant.
Genome position (GRCh38, 1-based): chr2:127,657,483, T>C on the plus strand (A>G on the coding strand, the complement: LIMS2 is on the minus strand). VCF-style: chr2-127657483-T-C. GRCh37 (hg19) VCF-style: chr2-128415057-T-C.
Other names: c.157A>G, p.Ser53Gly (NM_001136037.4); c.76A>G, p.Ser26Gly (NM_001161404.2); c.163A>G, p.Ser55Gly (NM_017980.5); short protein forms S26G, S55G, S31G, S53G.
Identifiers: ClinVar variation 2912762 (VCV002912762.3), dbSNP rs995913660, ClinGen allele CA55384911.

ClinVar aggregate classification (germline): Uncertain significance (1 of 4 stars; one submission).

Conditions:
Autosomal recessive limb-girdle muscular dystrophy type 2W (MDRCMTT). Also called: Muscular dystrophy, autosomal recessive, with cardiomyopathy and triangular tongue; Muscular dystrophy, limb-girdle, type 2W. Identifiers: MedGen C4225192, MONDO:0014788, OMIM 616827.

Allele frequency attached by ClinVar (database versions not stated): gnomAD exomes below 0.00001; TOPMed 0.00001.
gnomAD v4.1: 1 of 1,613,680 alleles (0.000062%); highest among the groups gnomAD compares: Non-Finnish European, 0.000085%; no homozygotes.

Submission:

Labcorp Genetics (formerly Invitae), Labcorp
Classification: Uncertain significance for Autosomal recessive limb-girdle muscular dystrophy type 2W. Last evaluated: 2023-10-22. Review status: criteria provided, single submitter. Criteria: Invitae Variant Classification Sherloc (09022015). Collection method: clinical testing. Allele origin: germline.
Comment: This sequence change replaces serine, which is neutral and polar, with glycine, which is neutral and non-polar, at codon 53 of the LIMS2 protein (p.Ser53Gly). This variant is not present in population databases (gnomAD no frequency). This variant has not been reported in the literature in individuals affected with LIMS2-related conditions. An algorithm developed to predict the effect of missense changes on protein structure and function (PolyPhen-2) suggests that this variant is likely to be disruptive. In summary, the available evidence is currently insufficient to determine the role of this variant in disease. Therefore, it has been classified as a Variant of Uncertain Significance.